The following is an entry in ClinVar:

NM_001165963.4(SCN1A):c.1442_1445del (p.Asp481fs)

Gene: SCN1A (sodium voltage-gated channel alpha subunit 1; minus strand). Cytogenetic location: 2q24.3.
Variant type: Deletion.
Coding change: c.1442_1445del on transcript NM_001165963.4 (MANE Select); coding-DNA positions 1442 to 1445, 4 bases deleted (ACAG; older notation c.1442_1445delACAG).
Protein change: p.Asp481fs; shifts the reading frame from aspartic acid 481.
Molecular consequence: frameshift variant. On other transcripts: 5 prime UTR variant (1), non-coding transcript variant (1).
Genome position (GRCh38, 1-based): chr2:166,045,260-166,045,263, CTGT deleted on the plus strand (ACAG on the coding strand, the reverse complement: SCN1A is on the minus strand); deleting any 4 consecutive bases within chr2:166,045,260-166,045,266 gives the same sequence; the c. name uses the placement nearest the transcript's 3' end. VCF-style (leftmost placement, unchanged base first): chr2-166045259-GCTGT-G. GRCh37 (hg19) VCF-style: chr2-166901769-GCTGT-G.
Other names: c.1442_1445del, p.Asp481fs (NM_001165964.3, NM_001202435.3, NM_001353948.2 and 7 more transcripts); c.1439_1442del, p.Asp480fs (NM_001353954.2, NM_001353955.2, NM_001353960.2); c.-984_-981del (NM_001353961.2); short protein forms D481fs, D480fs.
Identifiers: ClinVar variation 190000 (VCV000190000.1), dbSNP rs794726829, ClinGen allele CA303519.

ClinVar aggregate classification (germline): Pathogenic (1 of 4 stars; one submission).

Conditions:
Severe myoclonic epilepsy in infancy (DRVT). Also called: Epileptic encephalopathy, early infantile, 6 (Dravet syndrome); SEVERE MYOCLONIC EPILEPSY OF INFANCY; DEVELOPMENTAL AND EPILEPTIC ENCEPHALOPATHY 6A; Severe Myoclonic Epilepsy in Infancy (SMEI); Dravet syndrome. Identifiers: Orphanet 33069, MedGen C0751122, MONDO:0100135, OMIM 607208.

Submission:

Center for Bioinformatics, Peking University
Classification: Pathogenic for Dravet syndrome. Last evaluated: 2014-12-20. Review status: criteria provided, single submitter. Criteria: Xu et al. (Hum Mutat. 2015). Collection method: research. Allele origin: paternal. Affected: yes. Observed: 2 variant alleles. Study: University Clinical Cooperation “985 Project” PKU-2014-1-1.
Comment: Dravet syndrome (DS) probands were recruited from the outpatient and inpatient child neurology units of Peking University First Hospital from 2005 till present. The study was approved by the Ethics Committee of Peking University First Hospital and the Institutional Review Board at Peking University. Participants or their parents provided written informed consent before enrollment. We collected a total of 267 mutations from 255 families with probands diagnosed with DS in China. All probands fulfilled the clinical diagnostic criteria.